The following is an entry in ClinVar:

ClinVar aggregate classification (germline): Uncertain significance. Review status: criteria provided, single submitter (1 of 4 stars). 3 submissions from 3 submitters: Uncertain significance (1). 2 of the submissions do not count toward it. Last evaluated 2022-10-25.

Conditions:
Hyperekplexia 3 (HKPX3). Also called: HYPEREKPLEXIA 3, AUTOSOMAL RECESSIVE; HYPEREKPLEXIA 3, AUTOSOMAL DOMINANT. Identifiers: Orphanet 3197, MedGen C3553288, MONDO:0013827, OMIM 614618.

Allele frequency attached by ClinVar (database versions not stated): TOPMed 0.00010; gnomAD exomes 0.00002; gnomAD 0.00009 and 0.00007.
gnomAD v4.1: 49 of 1,613,946 alleles (0.003%); highest among the groups gnomAD compares: African/African-American, 0.021%; no homozygotes.

Submissions (3):

Labcorp Genetics (formerly Invitae), Labcorp
Classification: Uncertain significance for Hyperekplexia 3. Last evaluated: 2022-10-25. Review status: criteria provided, single submitter. Criteria: Invitae Variant Classification Sherloc (09022015). Collection method: clinical testing. Allele origin: germline.
Comment: This sequence change replaces threonine, which is neutral and polar, with methionine, which is neutral and non-polar, at codon 425 of the SLC6A5 protein (p.Thr425Met). This variant is present in population databases (rs121908498, gnomAD 0.06%). This missense change has been observed in individual(s) with hyperekplexia (PMID: 16751771). ClinVar contains an entry for this variant (Variation ID: 5767). Advanced modeling of protein sequence and biophysical properties (such as structural, functional, and spatial information, amino acid conservation, physicochemical variation, residue mobility, and thermodynamic stability) performed at Invitae indicates that this missense variant is not expected to disrupt SLC6A5 protein function. Experimental studies have shown that this missense change affects SLC6A5 function (PMID: 16751771). In summary, the available evidence is currently insufficient to determine the role of this variant in disease. Therefore, it has been classified as a Variant of Uncertain Significance.

OMIM
Classification: Pathogenic for HYPEREKPLEXIA 3, AUTOSOMAL RECESSIVE. Last evaluated: 2006-07-01. Review status: no assertion criteria provided. Collection method: literature only. Allele origin: germline. Not counted in ClinVar's aggregate classification.

GeneReviews
No classification provided. Condition: Hyperekplexia 3. Review status: no classification provided. Collection method: literature only. Allele origin: unknown. Not counted in ClinVar's aggregate classification.

Literature cited by the submitters: PubMed 16751771 (cited by Labcorp Genetics (formerly Invitae), Labcorp and OMIM); PubMed 20301437 (cited by GeneReviews); NCBI Bookshelf NBK1260 (cited by GeneReviews).

NM_004211.5(SLC6A5):c.1274C>T (p.Thr425Met)

Gene: SLC6A5 (solute carrier family 6 member 5; plus strand). Cytogenetic location: 11p15.1.
Variant type: single nucleotide variant.
Coding change: c.1274C>T on transcript NM_004211.5 (MANE Select); coding-DNA position 1274, C replaced by T.
Protein change: p.Thr425Met; replaces threonine 425 with methionine.
Molecular consequence: missense variant.
Genome position (GRCh38, 1-based): chr11:20,626,721, C>T. VCF-style: chr11-20626721-C-T. GRCh37 (hg19) VCF-style: chr11-20648267-C-T.
Other names: c.572C>T, p.Thr191Met (NM_001318369.2); short protein forms T425M, T191M.
Identifiers: ClinVar variation 5767 (VCV000005767.8), dbSNP rs121908498, ClinGen allele CA340458.
Genomic context (GRCh38, chr11:20,626,721, plus strand): 5'-CTCTGCAGGGCTGCTTCTTCCAGCCCCTCTGCCCATGGCTTTTCTAGGTGGTGTACTTCA[C>T]GGCCACGTTCCCGTATGTCGTACTCGTGATCCTCCTCATCCGAGGAGTCACCCTGCCTGG-3'
Protein context (NP_004202.4, residues 415-435): IKTSGKVVYF[Thr425Met]ATFPYVVLVI